The following is an entry in ClinVar:

ClinVar aggregate classification (germline): Conflicting classifications of pathogenicity. Review status: criteria provided, conflicting classifications (1 of 4 stars). 2 submissions from 2 submitters: Uncertain significance (1); Likely benign (1). Last evaluated 2025-08-21.

Conditions:
Inborn genetic diseases. Identifiers: MedGen C0950123, MeSH D030342.

Allele frequency attached by ClinVar (database versions not stated): ESP Exome Variant Server 0.00008; gnomAD 0.00002; gnomAD exomes 0.00006 and 0.00003; TOPMed 0.00003; ExAC 0.00004.
gnomAD v4.1: 92 of 1,613,968 alleles (0.0057%); highest among the groups gnomAD compares: Non-Finnish European, 0.0075%; no homozygotes.

Submissions (2):

Labcorp Genetics (formerly Invitae), Labcorp
Classification: Uncertain significance. Last evaluated: 2025-08-21. Review status: criteria provided, single submitter. Criteria: Invitae Variant Classification Sherloc (09022015). Collection method: clinical testing. Allele origin: germline.
Comment: This sequence change replaces valine, which is neutral and non-polar, with isoleucine, which is neutral and non-polar, at codon 668 of the PLAA protein (p.Val668Ile). This variant is present in population databases (rs137995823, gnomAD 0.004%). This variant has not been reported in the literature in individuals affected with PLAA-related conditions. ClinVar contains an entry for this variant (Variation ID: 1346892). Invitae Evidence Modeling of protein sequence and biophysical properties (such as structural, functional, and spatial information, amino acid conservation, physicochemical variation, residue mobility, and thermodynamic stability) indicates that this missense variant is not expected to disrupt PLAA protein function with a negative predictive value of 80%. In summary, the available evidence is currently insufficient to determine the role of this variant in disease. Therefore, it has been classified as a Variant of Uncertain Significance.

Ambry Genetics
Classification: Likely benign for Inborn genetic diseases. Last evaluated: 2024-12-10. Review status: criteria provided, single submitter. Criteria: Ambry Variant Classification Scheme 2023. Collection method: clinical testing. Allele origin: germline.

NM_001031689.3(PLAA):c.2002G>A (p.Val668Ile)

Gene: PLAA (phospholipase A2 activating protein; minus strand). Cytogenetic location: 9p21.2.
Variant type: single nucleotide variant.
Coding change: c.2002G>A on transcript NM_001031689.3 (MANE Select); coding-DNA position 2002, G replaced by A.
Protein change: p.Val668Ile; replaces valine 668 with isoleucine.
Molecular consequence: missense variant.
Genome position (GRCh38, 1-based): chr9:26,905,897, C>T on the plus strand (G>A on the coding strand, the complement: PLAA is on the minus strand). VCF-style: chr9-26905897-C-T. GRCh37 (hg19) VCF-style: chr9-26905895-C-T.
Other names: c.2002G>A (NM_001031689.2); c.1933G>A, p.Val645Ile (NM_001321546.2); short protein forms V668I, V645I.
Identifiers: ClinVar variation 1346892 (VCV001346892.5), dbSNP rs137995823, ClinGen allele CA5014188.